The following is an entry in ClinVar:

NM_174934.4(SCN4B):c.221A>G (p.Asp74Gly)

Gene: SCN4B (sodium voltage-gated channel beta subunit 4; minus strand). Cytogenetic location: 11q23.3.
Variant type: single nucleotide variant.
Coding change: c.221A>G on transcript NM_174934.4 (MANE Select); coding-DNA position 221, A replaced by G.
Protein change: p.Asp74Gly; replaces aspartic acid 74 with glycine.
Molecular consequence: missense variant. On other transcripts: 5 prime UTR variant (1), non-coding transcript variant (1), intron variant (1).
Genome position (GRCh38, 1-based): chr11:118,145,070, T>C on the plus strand (A>G on the coding strand, the complement: SCN4B is on the minus strand). VCF-style: chr11-118145070-T-C. GRCh37 (hg19) VCF-style: chr11-118015785-T-C.
Other names: c.-110A>G (NM_001142349.2); c.62-3734A>G (NM_001142348.2); short protein forms D74G.
Identifiers: ClinVar variation 3659125 (VCV003659125.2).

ClinVar aggregate classification (germline): Uncertain significance (1 of 4 stars; one submission).

Conditions:
Long QT syndrome 10 (LQT10). Identifiers: Orphanet 101016, Orphanet 768, MedGen C2678484, MONDO:0012737, OMIM 611819.

gnomAD v4.1: 2 of 1,614,072 alleles (0.00012%); highest among the groups gnomAD compares: African/African-American, 0.0027%; no homozygotes.

Submission:

Labcorp Genetics (formerly Invitae), Labcorp
Classification: Uncertain significance for Long QT syndrome 10. Last evaluated: 2024-07-16. Review status: criteria provided, single submitter. Criteria: Invitae Variant Classification Sherloc (09022015). Collection method: clinical testing. Allele origin: germline.
Comment: This sequence change replaces aspartic acid, which is acidic and polar, with glycine, which is neutral and non-polar, at codon 74 of the SCN4B protein (p.Asp74Gly). This variant is not present in population databases (gnomAD no frequency). This variant has not been reported in the literature in individuals affected with SCN4B-related conditions. An algorithm developed to predict the effect of missense changes on protein structure and function (PolyPhen-2) suggests that this variant is likely to be tolerated. In summary, the available evidence is currently insufficient to determine the role of this variant in disease. Therefore, it has been classified as a Variant of Uncertain Significance.